The following is an entry in ClinVar:

NM_024422.6(DSC2):c.1730T>C (p.Ile577Thr)

Gene: DSC2 (desmocollin 2; minus strand). Cytogenetic location: 18q12.1.
Variant type: single nucleotide variant.
Coding change: c.1730T>C on transcript NM_024422.6 (MANE Select); coding-DNA position 1730, T replaced by C.
Protein change: p.Ile577Thr; replaces isoleucine 577 with threonine.
Molecular consequence: missense variant.
Genome position (GRCh38, 1-based): chr18:31,074,841, A>G on the plus strand (T>C on the coding strand, the complement: DSC2 is on the minus strand). VCF-style: chr18-31074841-A-G. GRCh37 (hg19) VCF-style: chr18-28654807-A-G.
Other names: c.1730T>C, p.Ile577Thr (NM_004949.5); short protein forms I577T.
Identifiers: ClinVar variation 1397604 (VCV001397604.10), dbSNP rs2144800248, ClinGen allele CA402114249.

ClinVar aggregate classification (germline): Uncertain significance. Review status: criteria provided, multiple submitters, no conflicts (2 of 4 stars). 3 submissions from 3 submitters: Uncertain significance (3). Last evaluated 2025-09-22.

Conditions:
Familial isolated arrhythmogenic right ventricular dysplasia. Identifiers: Orphanet 217656, MedGen C4274968, MONDO:0016342.
Cardiomyopathy (CMYO). Also called: Cardiomyopathies. Identifiers: Orphanet 167848, MedGen C0878544, MONDO:0004994, HP:0001638. Inheritance: Various modes of inheritance.
Arrhythmogenic right ventricular dysplasia 11. Also called: Arrhythmogenic right ventricular dysplasia 11 with mild palmoplantar keratoderma and woolly hair; Arrhythmogenic Right Ventricular Dysplasia/Cardiomyopathy11; ARRHYTHMOGENIC RIGHT VENTRICULAR DYSPLASIA, FAMILIAL, 11. Identifiers: MedGen C1864850, MONDO:0012506, OMIM 610476.

Submissions (3):

Color Diagnostics, LLC DBA Color Health
Classification: Uncertain significance for Cardiomyopathy. Last evaluated: 2025-09-22. Review status: criteria provided, single submitter. Criteria: ACMG Guidelines, 2015. Collection method: clinical testing. Allele origin: germline.
Comment: This missense variant replaces isoleucine with threonine at codon 577 of the DSC2 protein. Computational prediction suggests that this variant may not impact protein structure and function. To our knowledge, functional studies have not been reported for this variant. This variant has not been reported in individuals affected with DSC2-related disorders in the literature. This variant has not been identified in the general population by the Genome Aggregation Database (gnomAD). The available evidence is insufficient to determine the role of this variant in disease conclusively. Therefore, this variant is classified as a Variant of Uncertain Significance.

Labcorp Genetics (formerly Invitae), Labcorp
Classification: Uncertain significance for Arrhythmogenic right ventricular dysplasia 11. Last evaluated: 2025-03-31. Review status: criteria provided, single submitter. Criteria: Invitae Variant Classification Sherloc (09022015). Collection method: clinical testing. Allele origin: germline.
Comment: This sequence change replaces isoleucine, which is neutral and non-polar, with threonine, which is neutral and polar, at codon 577 of the DSC2 protein (p.Ile577Thr). This variant is not present in population databases (gnomAD no frequency). This variant has not been reported in the literature in individuals affected with DSC2-related conditions. ClinVar contains an entry for this variant (Variation ID: 1397604). Invitae Evidence Modeling of protein sequence and biophysical properties (such as structural, functional, and spatial information, amino acid conservation, physicochemical variation, residue mobility, and thermodynamic stability) indicates that this missense variant is expected to disrupt DSC2 protein function with a positive predictive value of 80%. In summary, the available evidence is currently insufficient to determine the role of this variant in disease. Therefore, it has been classified as a Variant of Uncertain Significance.

All of Us Research Program, National Institutes of Health
Classification: Uncertain significance for Familial isolated arrhythmogenic right ventricular dysplasia. Last evaluated: 2024-03-05. Review status: criteria provided, single submitter. Criteria: ACMG Guidelines, 2015. Collection method: clinical testing. Allele origin: germline. Inheritance: Autosomal dominant inheritance. Observed: 1 variant allele, 1 heterozygote.
Comment: This study involves interpretation of variants in research participants for the purpose of population health screening. Participant phenotype was not available at the time of variant classification. Additional details can be found in publication PMID: 35346344, PMCID: PMC8962531